The following is an entry in ClinVar:

ClinVar aggregate classification (germline): Uncertain significance (1 of 4 stars; one submission).

Conditions:
DYRK1A-related intellectual disability syndrome (MRD7). Also called: Intellectual developmental disorder, autosomal dominant 7; DYRK1A Syndrome. Identifiers: Orphanet 464306, MedGen C5568143, MONDO:0013578, OMIM 614104.

Allele frequency attached by ClinVar (database versions not stated): gnomAD exomes below 0.00001; ExAC 0.00001; ESP Exome Variant Server 0.00008.
gnomAD v4.1: 1 of 1,612,752 alleles (0.000062%); highest among the groups gnomAD compares: Non-Finnish European, 0.000085%; no homozygotes.

Submission:

Labcorp Genetics (formerly Invitae), Labcorp
Classification: Uncertain significance for DYRK1A-related intellectual disability syndrome. Last evaluated: 2023-11-08. Review status: criteria provided, single submitter. Criteria: Invitae Variant Classification Sherloc (09022015). Collection method: clinical testing. Allele origin: germline.
Comment: This sequence change replaces lysine, which is basic and polar, with arginine, which is basic and polar, at codon 131 of the DYRK1A protein (p.Lys131Arg). The frequency data for this variant in the population databases is considered unreliable, as metrics indicate poor data quality at this position in the gnomAD database. This variant has not been reported in the literature in individuals affected with DYRK1A-related conditions. Advanced modeling of protein sequence and biophysical properties (such as structural, functional, and spatial information, amino acid conservation, physicochemical variation, residue mobility, and thermodynamic stability) performed at Invitae indicates that this missense variant is not expected to disrupt DYRK1A protein function with a negative predictive value of 95%. In summary, the available evidence is currently insufficient to determine the role of this variant in disease. Therefore, it has been classified as a Variant of Uncertain Significance.

NM_001347721.2(DYRK1A):c.365A>G (p.Lys122Arg)

Gene: DYRK1A (dual specificity tyrosine phosphorylation regulated kinase 1A; plus strand). Cytogenetic location: 21q22.13.
Variant type: single nucleotide variant.
Coding change: c.365A>G on transcript NM_001347721.2 (MANE Select); coding-DNA position 365, A replaced by G.
Protein change: p.Lys122Arg; replaces lysine 122 with arginine.
Molecular consequence: missense variant.
Genome position (GRCh38, 1-based): chr21:37,480,702, A>G. VCF-style: chr21-37480702-A-G. GRCh37 (hg19) VCF-style: chr21-38853004-A-G.
Other names: c.365A>G, p.Lys122Arg (NM_001347722.2, NM_130436.2); c.278A>G, p.Lys93Arg (NM_001347723.2); c.392A>G, p.Lys131Arg (NM_001396.5, NM_101395.2, NM_130438.2); short protein forms K93R, K131R, K122R.
Identifiers: ClinVar variation 2694270 (VCV002694270.3), dbSNP rs145621609, ClinGen allele CA10023786.